The following is an entry in ClinVar:

NM_005859.5(PURA):c.493G>C (p.Gly165Arg)

Gene: PURA (purine rich element binding protein A; plus strand). Cytogenetic location: 5q31.3.
Variant type: single nucleotide variant.
Coding change: c.493G>C on transcript NM_005859.5 (MANE Select); coding-DNA position 493, G replaced by C.
Protein change: p.Gly165Arg; replaces glycine 165 with arginine.
Molecular consequence: missense variant.
Genome position (GRCh38, 1-based): chr5:140,114,674, G>C. VCF-style: chr5-140114674-G-C. GRCh37 (hg19) VCF-style: chr5-139494259-G-C.
Other names: short protein forms G165R.
Identifiers: ClinVar variation 805266 (VCV000805266.2), dbSNP rs1561793272, ClinGen allele CA361490898.

ClinVar aggregate classification (germline): Conflicting classifications of pathogenicity. Review status: criteria provided, conflicting classifications (1 of 4 stars). 2 submissions from 2 submitters: Likely pathogenic (1); Uncertain significance (1). Last evaluated 2026-01-04.

Conditions:
PURA-related severe neonatal hypotonia-seizures-encephalopathy syndrome (NEDRIHF). Also called: PURA-Related Neurodevelopmental Disorders; NEURODEVELOPMENTAL DISORDER WITH NEONATAL RESPIRATORY INSUFFICIENCY, HYPOTONIA, AND FEEDING DIFFICULTIES. Identifiers: Orphanet 438213, Orphanet 438216, MedGen C4015357, MONDO:1060108, OMIM 616158, MONDO:0018580.

Submissions (2):

Labcorp Genetics (formerly Invitae), Labcorp
Classification: Likely pathogenic for PURA-related severe neonatal hypotonia-seizures-encephalopathy syndrome. Last evaluated: 2026-01-04. Review status: criteria provided, single submitter. Criteria: Invitae Variant Classification Sherloc (09022015). Collection method: clinical testing. Allele origin: germline.
Comment: This sequence change replaces glycine, which is neutral and non-polar, with arginine, which is basic and polar, at codon 165 of the PURA protein (p.Gly165Arg). This variant is not present in population databases (gnomAD no frequency). This variant has not been reported in the literature in individuals affected with PURA-related conditions. ClinVar contains an entry for this variant (Variation ID: 805266). Invitae Evidence Modeling of protein sequence and biophysical properties (such as structural, functional, and spatial information, amino acid conservation, physicochemical variation, residue mobility, and thermodynamic stability) indicates that this missense variant is expected to disrupt PURA protein function with a positive predictive value of 95%. This variant disrupts the p.Gly165 amino acid residue in PURA. Other variant(s) that disrupt this residue have been determined to be pathogenic (internal data). This suggests that this residue is clinically significant, and that variants that disrupt this residue are likely to be disease-causing. In summary, the currently available evidence indicates that the variant is pathogenic, but additional data are needed to prove that conclusively. Therefore, this variant has been classified as Likely Pathogenic.

Athena Diagnostics
Classification: Uncertain significance. Last evaluated: 2019-01-25. Review status: criteria provided, single submitter. Criteria: Athena Diagnostics Criteria. Collection method: clinical testing. Allele origin: germline.